The following is an entry in ClinVar:

ClinVar aggregate classification (germline): Uncertain significance. Review status: criteria provided, multiple submitters, no conflicts (2 of 4 stars). 2 submissions from 2 submitters: Uncertain significance (2). Last evaluated 2025-11-26.

Conditions:
Inborn genetic diseases. Identifiers: MedGen C0950123, MeSH D030342.
PGM1-congenital disorder of glycosylation. Also called: CDG It; PGM1 DEFICIENCY; GLYCOGEN STORAGE DISEASE XIV; GSD XIV; PHOSPHOGLUCOMUTASE 1 DEFICIENCY; Congenital disorder of glycosylation type 1t. Identifiers: Orphanet 319646, MedGen C2752015, MONDO:0013968, OMIM 614921.

Submissions (2):

Ambry Genetics
Classification: Uncertain significance for Inborn genetic diseases. Last evaluated: 2025-11-26. Review status: criteria provided, single submitter. Criteria: Ambry Variant Classification Scheme 2023. Collection method: clinical testing. Allele origin: germline.

Labcorp Genetics (formerly Invitae), Labcorp
Classification: Uncertain significance for PGM1-congenital disorder of glycosylation. Last evaluated: 2022-07-14. Review status: criteria provided, single submitter. Criteria: Invitae Variant Classification Sherloc (09022015). Collection method: clinical testing. Allele origin: germline.
Comment: This sequence change replaces valine, which is neutral and non-polar, with isoleucine, which is neutral and non-polar, at codon 560 of the PGM1 protein (p.Val560Ile). This variant is not present in population databases (gnomAD no frequency). This variant has not been reported in the literature in individuals affected with PGM1-related conditions. ClinVar contains an entry for this variant (Variation ID: 847389). Algorithms developed to predict the effect of missense changes on protein structure and function (SIFT, PolyPhen-2, Align-GVGD) all suggest that this variant is likely to be tolerated. In summary, the available evidence is currently insufficient to determine the role of this variant in disease. Therefore, it has been classified as a Variant of Uncertain Significance.

NM_002633.3(PGM1):c.1678G>A (p.Val560Ile)

Gene: PGM1 (phosphoglucomutase 1; plus strand). Cytogenetic location: 1p31.3.
Variant type: single nucleotide variant.
Coding change: c.1678G>A on transcript NM_002633.3 (MANE Select); coding-DNA position 1678, G replaced by A.
Protein change: p.Val560Ile; replaces valine 560 with isoleucine.
Molecular consequence: missense variant.
Genome position (GRCh38, 1-based): chr1:63,659,664, G>A. VCF-style: chr1-63659664-G-A. GRCh37 (hg19) VCF-style: chr1-64125335-G-A.
Other names: c.1732G>A, p.Val578Ile (NM_001172818.1); c.1087G>A, p.Val363Ile (NM_001172819.2); short protein forms V363I, V578I, V560I.
Identifiers: ClinVar variation 847389 (VCV000847389.8), dbSNP rs1650066188, ClinGen allele CA340640819.